The following is an entry in ClinVar:

NM_000334.4(SCN4A):c.679C>T (p.Leu227Phe)

Gene: SCN4A (sodium voltage-gated channel alpha subunit 4; minus strand). Cytogenetic location: 17q23.3.
Variant type: single nucleotide variant.
Coding change: c.679C>T on transcript NM_000334.4 (MANE Select); coding-DNA position 679, C replaced by T.
Protein change: p.Leu227Phe; replaces leucine 227 with phenylalanine.
Molecular consequence: missense variant.
Genome position (GRCh38, 1-based): chr17:63,971,186, G>A on the plus strand (C>T on the coding strand, the complement: SCN4A is on the minus strand). VCF-style: chr17-63971186-G-A. GRCh37 (hg19) VCF-style: chr17-62048546-G-A.
Other names: short protein forms L227F.
Identifiers: ClinVar variation 1461866 (VCV001461866.12), dbSNP rs368999500, ClinGen allele CA8710083.

ClinVar aggregate classification (germline): Uncertain significance. Review status: criteria provided, multiple submitters, no conflicts (2 of 4 stars). 4 submissions from 4 submitters: Uncertain significance (4). Last evaluated 2026-01-05.

Conditions:
Paramyotonia congenita of Von Eulenburg. Also called: PARALYSIS PERIODICA PARAMYOTONICA; Paramyotonia Congenita; Eulenburg disease; Myotonia congenita intermittens; Von Eulenburg paramyotonia congenita. Identifiers: Orphanet 684, MedGen C0221055, MONDO:0008195, OMIM 168300. Disease mechanism: loss of function.
Hypokalemic periodic paralysis, type 1. Also called: HypoPP; Hypokalemic Periodic Paralysis Type 1 (AD). Identifiers: Orphanet 681, MedGen C3714580, MONDO:0042979, OMIM 170400.
Hypokalemic periodic paralysis, type 2 (HOKPP2). Identifiers: Orphanet 681, MedGen C2750061, MONDO:0013234, OMIM 613345.
Potassium-aggravated myotonia. Also called: MYOTONIA CONGENITA, ACETAZOLAMIDE-RESPONSIVE; MYOTONIA CONGENITA, ATYPICAL; SODIUM CHANNEL MUSCLE DISEASE; Myotonia congenita, atypical, acetazolamide-responsive. Identifiers: Orphanet 612, Orphanet 99734, Orphanet 99735, Orphanet 99736, MedGen C2931826, MONDO:0018959, OMIM 608390.
Congenital myasthenic syndrome 16. Identifiers: Orphanet 590, MedGen C3280112, MONDO:0013620, OMIM 614198.
Hyperkalemic periodic paralysis. Also called: Familial hyperkalemic periodic paralysis; Gamstorp disease. Identifiers: Orphanet 682, MedGen C0238357, MONDO:0008224, OMIM 170500, HP:0007215.

Allele frequency attached by ClinVar (database versions not stated): gnomAD exomes 0.00002 and 0.00005; gnomAD 0.00006; TOPMed 0.00005; ESP Exome Variant Server 0.00008; ExAC 0.00004.

Submissions (4):

Women's Health and Genetics/Laboratory Corporation of America, LabCorp
Classification: Uncertain significance. Last evaluated: 2026-01-05. Review status: criteria provided, single submitter. Criteria: LabCorp Variant Classification Summary - May 2015. Collection method: clinical testing. Allele origin: germline.
Comment: Variant summary: SCN4A c.679C>T (p.Leu227Phe) results in a non-conservative amino acid change in the encoded protein sequence. Algorithms developed to predict the effect of missense changes on protein structure and function all suggest that this variant is likely to be disruptive. The variant allele was found at a frequency of 1.7e-05 in 175968 control chromosomes. The available data on variant occurrences in the general population are insufficient to allow any conclusion about variant significance. To our knowledge, no occurrence of c.679C>T in individuals affected with SCN4A-related conditions and no experimental evidence demonstrating its impact on protein function have been reported. ClinVar contains an entry for this variant (Variation ID: 1461866). Based on the evidence outlined above, the variant was classified as uncertain significance.

Labcorp Genetics (formerly Invitae), Labcorp
Classification: Uncertain significance for Hyperkalemic periodic paralysis. Last evaluated: 2025-03-09. Review status: criteria provided, single submitter. Criteria: Invitae Variant Classification Sherloc (09022015). Collection method: clinical testing. Allele origin: germline.
Comment: This sequence change replaces leucine, which is neutral and non-polar, with phenylalanine, which is neutral and non-polar, at codon 227 of the SCN4A protein (p.Leu227Phe). The frequency data for this variant in the population databases is considered unreliable, as metrics indicate poor data quality at this position in the gnomAD database. This variant has not been reported in the literature in individuals affected with SCN4A-related conditions. ClinVar contains an entry for this variant (Variation ID: 1461866). Invitae Evidence Modeling of protein sequence and biophysical properties (such as structural, functional, and spatial information, amino acid conservation, physicochemical variation, residue mobility, and thermodynamic stability) has been performed for this missense variant. However, the output from this modeling did not meet the statistical confidence thresholds required to predict the impact of this variant on SCN4A protein function. Experimental studies have shown that this missense change does not substantially affect SCN4A function (PMID: 29605429). In summary, the available evidence is currently insufficient to determine the role of this variant in disease. Therefore, it has been classified as a Variant of Uncertain Significance.

GeneDx
Classification: Uncertain significance. Last evaluated: 2022-07-26. Review status: criteria provided, single submitter. Criteria: GeneDx Variant Classification Process June 2021. Collection method: clinical testing. Allele origin: germline. Affected: yes.
Comment: Reported previously in a control individual in a study regarding sudden infantile death syndrome (Mnnikk et al., 2018); In silico analysis supports that this missense variant has a deleterious effect on protein structure/function; This variant is associated with the following publications: (PMID: 29605429)

Fulgent Genetics
Classification: Uncertain significance for Paramyotonia congenita of Von Eulenburg; Hypokalemic periodic paralysis, type 1; Hyperkalemic periodic paralysis; Potassium-aggravated myotonia; Hypokalemic periodic paralysis, type 2; Congenital myasthenic syndrome 16. Last evaluated: 2022-02-15. Review status: criteria provided, single submitter. Criteria: ACMG Guidelines, 2015. Collection method: clinical testing. Allele origin: unknown.

Literature cited by the submitters: PubMed 29605429 (cited by Labcorp Genetics (formerly Invitae), Labcorp).